The following is an entry in ClinVar:

ClinVar aggregate classification (germline): Uncertain significance (1 of 4 stars; one submission).

Submission:

Laboratory for Molecular Medicine, Mass General Brigham Personalized Medicine
Classification: Uncertain significance. Last evaluated: 2015-12-01. Review status: criteria provided, single submitter. Criteria: LMM Criteria. Collection method: clinical testing. Allele origin: germline. Observed: 1 variant allele.
Comment: The p.Ile2074Ala variant in OTOGL is caused by two adjacent nucleotide changes ( c.6220A>G and c.6221T>C) that are present in cis (on the same chromosome). Pleas e note that the c.6220A>G nucleotide change represents a reference sequence erro r, where the GRCh37 reference base (c.6220A) is the minor allele. The p.Ile2074A la variant in OTOGL has not been previously reported in individuals with hearing loss or in large population studies. Computational prediction tools and conserv ation analyses suggest that the p.Ile2074Ala variant may not impact the protein, though this information is not predictive enough to rule out pathogenicity. In summary, the clinical significance of the p.Ile2074Ala variant is uncertain.

NM_173591.3(OTOGL):c.[6220A>G;6221T>C]

Variant type: Haplotype.
Identifiers: ClinVar variation 229122 (VCV000229122.5).